The following is an entry in ClinVar:

NM_001170629.2(CHD8):c.158del (p.Gly53fs)

Gene: CHD8 (chromodomain helicase DNA binding protein 8; minus strand). Cytogenetic location: 14q11.2.
Variant type: Deletion.
Coding change: c.158del on transcript NM_001170629.2 (MANE Select); coding-DNA position 158, one base deleted (G; older notation c.158delG).
Protein change: p.Gly53fs; shifts the reading frame from glycine 53.
Molecular consequence: frameshift variant. On other transcripts: intron variant (1).
Genome position (GRCh38, 1-based): chr14:21,431,486, C deleted on the plus strand (G on the coding strand, the reverse complement: CHD8 is on the minus strand); the first of 2 consecutive C bases (chr14:21,431,486-21,431,487); deleting either gives the same sequence. VCF-style (leftmost placement, unchanged base first): chr14-21431485-AC-A. GRCh37 (hg19) VCF-style: chr14-21899644-AC-A.
Other names: c.6+325del (NM_020920.4); short protein forms G53fs.
Identifiers: ClinVar variation 3381908 (VCV003381908.3).

ClinVar aggregate classification (germline): Likely pathogenic (1 of 4 stars; one submission).

Conditions:
Intellectual developmental disorder with autism and macrocephaly. Also called: Autism, susceptibility to, 18; CHD8-Related Neurodevelopmental Disorder with Overgrowth. Identifiers: Orphanet 642675, MedGen C3554373, MONDO:0014017, OMIM 615032.

Submission:

Juno Genomics, Hangzhou Juno Genomics, Inc
Classification: Likely pathogenic for Intellectual developmental disorder with autism and macrocephaly. Review status: criteria provided, single submitter. Criteria: ACMG Guidelines, 2015. Collection method: clinical testing. Allele origin: germline.
Comment: Null variant in a gene where loss of function (LOF) is a known mechanism of disease.;Absent from controls (or at extremely low frequency if recessive) in Genome Aggregation Database.